The following is an entry in ClinVar:

NM_173602.3(DIP2B):c.2643G>C (p.Val881=)

Gene: DIP2B (disco interacting protein 2 homolog B; plus strand). Cytogenetic location: 12q13.12.
Variant type: single nucleotide variant.
Coding change: c.2643G>C on transcript NM_173602.3 (MANE Select); coding-DNA position 2643, G replaced by C.
Protein change: p.Val881=; no amino-acid change (valine 881 retained).
Molecular consequence: synonymous variant.
Genome position (GRCh38, 1-based): chr12:50,708,556, G>C. VCF-style: chr12-50708556-G-C. GRCh37 (hg19) VCF-style: chr12-51102339-G-C.
Identifiers: ClinVar variation 2627332 (VCV002627332.1), dbSNP rs147209367, ClinGen allele CA6564868.

ClinVar aggregate classification (germline): Likely benign (1 of 4 stars; one submission).

Allele frequency attached by ClinVar (database versions not stated): gnomAD 0.00002; TOPMed 0.00002; ExAC 0.00004.
gnomAD v4.1: 26 of 1,587,414 alleles (0.0016%); highest among the groups gnomAD compares: Non-Finnish European, 0.00051%; no homozygotes.

Submission:

Women's Health and Genetics/Laboratory Corporation of America, LabCorp
Classification: Likely benign. Last evaluated: 2023-09-26. Review status: criteria provided, single submitter. Criteria: LabCorp Variant Classification Summary - May 2015. Collection method: clinical testing. Allele origin: germline.
Comment: Variant summary: DIP2B c.2643G>C alters a non-conserved nucleotide resulting in a synonymous change. Consensus agreement among computation tools predict no significant impact on normal splicing. However, these predictions have yet to be confirmed by functional studies. The variant allele was found at a frequency of 2.4e-05 in 208072 control chromosomes. The available data on variant occurrences in the general population are insufficient to allow any conclusion about variant significance. To our knowledge, no occurrence of c.2643G>C in individuals affected with Intellectual Disability, FRA12A Type and no experimental evidence demonstrating its impact on protein function have been reported. No submitters have cited clinical-significance assessments for this variant to ClinVar after 2014. Based on the evidence outlined above, the variant was classified as likely benign.